The following is an entry in ClinVar:

ClinVar aggregate classification (germline): Likely benign (0 of 4 stars; one submission).

Conditions:
PDHA1-related disorder. Also called: PDHA1-related condition.

Submission:

PreventionGenetics, part of Exact Sciences
Classification: Likely benign for PDHA1-related condition. Last evaluated: 2019-04-16. Review status: no assertion criteria provided. Collection method: clinical testing. Allele origin: germline.
Comment: This variant is classified as likely benign based on ACMG/AMP sequence variant interpretation guidelines (Richards et al. 2015 PMID: 25741868, with internal and published modifications).

NM_000284.4(PDHA1):c.*1089_*1092dup

Genes: MAP3K15 (mitogen-activated protein kinase kinase kinase 15; minus strand), PDHA1 (pyruvate dehydrogenase E1 subunit alpha 1; plus strand). Cytogenetic location: Xp22.12.
Variant type: Duplication.
Coding change: c.*1089_*1092dup on transcript NM_000284.4 (MANE Select); 1089 bases downstream of the stop codon through 1092 bases downstream of the stop codon, 4 bases duplicated (ATTG; older notation c.*1089_*1092dupATTG).
Molecular consequence: 3 prime UTR variant.
Genome position (GRCh38, 1-based): chrX:19,360,742-19,360,745, ATTG duplicated; duplicating any 4 consecutive bases within chrX:19,360,740-19,360,745 gives the same sequence; the c. name uses the placement nearest the transcript's 3' end. VCF-style (leftmost placement, unchanged base first): chrX-19360739-C-CTGAT. GRCh37 (hg19) VCF-style: chrX-19378857-C-CTGAT.
Other names: c.*6_*9dup (NM_001001671.4); c.*1089_*1092dup (NM_001173454.2, NM_001173455.2, NM_001173456.2).
Identifiers: ClinVar variation 3060782 (VCV003060782.2), dbSNP rs748635462, ClinGen allele CA10363278.